The following is an entry in ClinVar:

NM_032888.4(COL27A1):c.2858C>T (p.Pro953Leu)

Gene: COL27A1 (collagen type XXVII alpha 1 chain; plus strand). Cytogenetic location: 9q32.
Variant type: single nucleotide variant.
Coding change: c.2858C>T on transcript NM_032888.4 (MANE Select); coding-DNA position 2858, C replaced by T.
Protein change: p.Pro953Leu; replaces proline 953 with leucine.
Molecular consequence: missense variant.
Genome position (GRCh38, 1-based): chr9:114,242,209, C>T. VCF-style: chr9-114242209-C-T. GRCh37 (hg19) VCF-style: chr9-117004489-C-T.
Other names: short protein forms P953L.
Identifiers: ClinVar variation 708793 (VCV000708793.36), dbSNP rs41277743, ClinGen allele CA5202113.

ClinVar aggregate classification (germline): Likely benign. Review status: criteria provided, multiple submitters, no conflicts (2 of 4 stars). 4 submissions from 4 submitters: Likely benign (3). 1 of the submissions does not count toward it. Last evaluated 2026-02-01.

Conditions:
COL27A1-related disorder. Also called: COL27A1-related condition.

Allele frequency attached by ClinVar (database versions not stated): 1000 Genomes Project 30x 0.00031; 1000 Genomes Project 0.00040; gnomAD exomes 0.00141; TOPMed 0.00155; ExAC 0.00157; gnomAD 0.00174 and 0.00177; ESP Exome Variant Server 0.00254.

Submissions (4):

Labcorp Genetics (formerly Invitae), Labcorp
Classification: Likely benign. Last evaluated: 2026-02-01. Review status: criteria provided, single submitter. Criteria: Invitae Variant Classification Sherloc (09022015). Collection method: clinical testing. Allele origin: germline.

Blueprint Genetics
Classification: Likely benign. Last evaluated: 2024-11-26. Review status: criteria provided, single submitter. Criteria: ACMG Guidelines, 2015. Collection method: clinical testing. Allele origin: germline.

CeGaT Center for Human Genetics Tuebingen
Classification: Likely benign. Last evaluated: 2023-08-01. Review status: criteria provided, single submitter. Criteria: CeGaT Center For Human Genetics Tuebingen Variant Classification Criteria Version 2. Collection method: clinical testing. Allele origin: germline. Affected: yes. Observed: 2 variant alleles.
Comment: COL27A1: BS2

PreventionGenetics, part of Exact Sciences
Classification: Likely benign for COL27A1-related condition. Last evaluated: 2022-04-11. Review status: no assertion criteria provided. Collection method: clinical testing. Allele origin: germline. Not counted in ClinVar's aggregate classification.
Comment: This variant is classified as likely benign based on ACMG/AMP sequence variant interpretation guidelines (Richards et al. 2015 PMID: 25741868, with internal and published modifications).